The following is an entry in ClinVar:

ClinVar aggregate classification (germline): Uncertain significance. Review status: criteria provided, multiple submitters, no conflicts (2 of 4 stars). 2 submissions from 2 submitters: Uncertain significance (2). Last evaluated 2025-09-04.

Conditions:
Hereditary cancer-predisposing syndrome. Also called: Tumor predisposition; Neoplastic Syndromes, Hereditary; Hereditary Cancer Syndrome; Hereditary neoplastic syndrome. Identifiers: Orphanet 140162, MedGen C0027672, MeSH D009386, MONDO:0015356.
Neurofibromatosis, type 2 (SWNV). Also called: NF2-Related Schwannomatosis; SCHWANNOMATOSIS, VESTIBULAR; BILATERAL ACOUSTIC NEUROFIBROMATOSIS. Identifiers: Orphanet 637, MedGen C0027832, MONDO:0007039, OMIM 101000. Disease mechanism: loss of function.

Allele frequency attached by ClinVar (database versions not stated): gnomAD exomes below 0.00001.
gnomAD v4.1: 5 of 1,614,196 alleles (0.00031%); highest among the groups gnomAD compares: South Asian, 0.0011%; no homozygotes.

Submissions (2):

Ambry Genetics
Classification: Uncertain significance for Hereditary cancer-predisposing syndrome. Last evaluated: 2025-09-04. Review status: criteria provided, single submitter. Criteria: Ambry Variant Classification Scheme 2023. Collection method: clinical testing. Allele origin: germline.
Comment: The p.N540D variant (also known as c.1618A>G), located in coding exon 15 of the NF2 gene, results from an A to G substitution at nucleotide position 1618. The asparagine at codon 540 is replaced by aspartic acid, an amino acid with highly similar properties. This amino acid position is conserved. In addition, the in silico prediction for this alteration is inconclusive. Since supporting evidence is limited at this time, the clinical significance of this alteration remains unclear.

Labcorp Genetics (formerly Invitae), Labcorp
Classification: Uncertain significance for Neurofibromatosis, type 2. Last evaluated: 2022-05-21. Review status: criteria provided, single submitter. Criteria: Invitae Variant Classification Sherloc (09022015). Collection method: clinical testing. Allele origin: germline.
Comment: In summary, the available evidence is currently insufficient to determine the role of this variant in disease. Therefore, it has been classified as a Variant of Uncertain Significance. Algorithms developed to predict the effect of missense changes on protein structure and function are either unavailable or do not agree on the potential impact of this missense change (SIFT: "Tolerated"; PolyPhen-2: "Possibly Damaging"; Align-GVGD: "Class C0"). This variant has not been reported in the literature in individuals affected with NF2-related conditions. This variant is present in population databases (no rsID available, gnomAD 0.0009%). This sequence change replaces asparagine, which is neutral and polar, with aspartic acid, which is acidic and polar, at codon 540 of the NF2 protein (p.Asn540Asp).

NM_000268.4(NF2):c.1618A>G (p.Asn540Asp)

Gene: NF2 (NF2, moesin-ezrin-radixin like (MERLIN) tumor suppressor; plus strand). Cytogenetic location: 22q12.2.
Variant type: single nucleotide variant.
Coding change: c.1618A>G on transcript NM_000268.4 (MANE Select); coding-DNA position 1618, A replaced by G.
Protein change: p.Asn540Asp; replaces asparagine 540 with aspartic acid.
Molecular consequence: missense variant. On other transcripts: non-coding transcript variant (1), intron variant (1).
Genome position (GRCh38, 1-based): chr22:29,681,482, A>G. VCF-style: chr22-29681482-A-G. GRCh37 (hg19) VCF-style: chr22-30077471-A-G.
Other names: c.1504A>G, p.Asn502Asp (NM_001407056.1, NM_001407053.1); c.1483A>G, p.Asn495Asp (NM_001407057.1, NM_001407059.1); c.1495A>G, p.Asn499Asp (NM_001407058.1, NM_001407054.1, NM_181829.3); c.1360A>G, p.Asn454Asp (NM_001407062.1); c.1369A>G, p.Asn457Asp (NM_001407063.1, NM_181830.3, NM_181831.3); c.1084A>G, p.Asn362Asp (NM_001407065.1); c.1618A>G, p.Asn540Asp (NM_001407066.1, NM_016418.5, NM_181825.3 and 1 more transcripts); c.1387A>G, p.Asn463Asp (NM_001407067.1); and 2 more; short protein forms N463D, N454D, N457D, N495D, N498D, N540D, N362D, N502D.
Identifiers: ClinVar variation 1776529 (VCV001776529.8), dbSNP rs1272126376, ClinGen allele CA411150087.